The following is an entry in ClinVar:

NM_000235.4(LIPA):c.112-6C>T

Gene: LIPA (lipase A, lysosomal acid type; minus strand). Cytogenetic location: 10q23.31.
Variant type: single nucleotide variant.
Coding change: c.112-6C>T on transcript NM_000235.4 (MANE Select); 6 bases into the intron before coding-DNA position 112, C replaced by T.
Molecular consequence: intron variant.
Genome position (GRCh38, 1-based): chr10:89,245,799, G>A on the plus strand (C>T on the coding strand, the complement: LIPA is on the minus strand). VCF-style: chr10-89245799-G-A. GRCh37 (hg19) VCF-style: chr10-91005556-G-A.
Other names: p.?; c.-120+5938C>T (NM_001288979.2); c.112-6C>T (NM_001127605.3).
Identifiers: ClinVar variation 196238 (VCV000196238.23), dbSNP rs141302830, ClinGen allele CA202233.

ClinVar aggregate classification (germline): Benign/Likely benign. Review status: criteria provided, multiple submitters, no conflicts (2 of 4 stars). 6 submissions from 6 submitters: Benign (5); Likely benign (1). Last evaluated 2026-01-31.

Conditions:
Wolman disease (WOLD). Also called: Acid cholesteryl ester hydrolase deficiency, Wolman type; Acid lipase disease; Wolman disease, CESD; Wolman disease with hypolipoproteinemia and acanthocytosis; Infantile-Onset LAL-D (Wolman Disease); LYSOSOMAL ACID LIPASE DEFICIENCY, ACUTE INFANTILE. Identifiers: Orphanet 75233, MedGen C0043208, MONDO:0019148, OMIM 620151.
Lysosomal acid lipase deficiency. Also called: Acid cholesteryl ester hydrolase deficiency, type 2. Identifiers: Orphanet 275761, MedGen C5574740, MONDO:0800449, MONDO:0010204.

Allele frequency attached by ClinVar (database versions not stated): ESP Exome Variant Server 0.00046; gnomAD 0.00063 and 0.00076; TOPMed 0.00074; 1000 Genomes Project 30x 0.00156; 1000 Genomes Project 0.00180.
gnomAD v4.1: 1,208 of 1,393,970 alleles (0.087%); highest among the groups gnomAD compares: East Asian, 1.9%; 12 homozygotes.

Submissions (6):

Labcorp Genetics (formerly Invitae), Labcorp
Classification: Benign for Wolman disease. Last evaluated: 2026-01-31. Review status: criteria provided, single submitter. Criteria: Invitae Variant Classification Sherloc (09022015). Collection method: clinical testing. Allele origin: germline.

Mayo Clinic Laboratories, Mayo Clinic
Classification: Benign. Last evaluated: 2024-11-25. Review status: criteria provided, single submitter. Criteria: ACMG Guidelines, 2015. Collection method: clinical testing. Allele origin: germline. Observed: 4 variant alleles.
Comment: BS1, BS2, BP4, BP7

Blueprint Genetics
Classification: Likely benign. Last evaluated: 2024-10-01. Review status: criteria provided, single submitter. Criteria: ACMG Guidelines, 2015. Collection method: clinical testing. Allele origin: germline.

GENinCode PLC
Classification: Benign for Lysosomal acid lipase deficiency. Last evaluated: 2023-06-28. Review status: criteria provided, single submitter. Criteria: ACMG Guidelines, 2015. Collection method: clinical testing. Allele origin: germline.

Illumina Laboratory Services, Illumina
Classification: Benign for Cholesteryl ester storage disease. Last evaluated: 2017-04-27. Review status: criteria provided, single submitter. Criteria: ICSL Variant Classification Criteria 13 December 2019. Collection method: clinical testing. Allele origin: germline.
Comment: This variant was observed as part of a predisposition screen in an ostensibly healthy population. A literature search was performed for the gene, cDNA change, and amino acid change (where applicable). No publications were found based on this search. Allele frequency data from public databases was too high to be consistent with this variant causing disease. Therefore, this variant is classified as benign.

Eurofins Ntd Llc (ga)
Classification: Benign. Last evaluated: 2015-03-26. Review status: criteria provided, single submitter. Criteria: EGL Classification Definitions 2015. Collection method: clinical testing. Allele origin: germline. Observed: 1 variant allele, 1 heterozygote.

Literature cited by the submitters: PubMed 27423329 (cited by Mayo Clinic Laboratories, Mayo Clinic).